The following is an entry in ClinVar:

NM_000258.3(MYL3):c.575dup (p.Met193fs)

Gene: MYL3 (myosin light chain 3; minus strand). Cytogenetic location: 3p21.31.
Variant type: Duplication.
Coding change: c.575dup on transcript NM_000258.3 (MANE Select); coding-DNA position 575, one base duplicated (T; older notation c.575dupT).
Protein change: p.Met193fs; shifts the reading frame from methionine 193.
Molecular consequence: frameshift variant.
Genome position (GRCh38, 1-based): chr3:46,858,257, A duplicated on the plus strand (T on the coding strand, the reverse complement: MYL3 is on the minus strand). VCF-style (leftmost placement, unchanged base first): chr3-46858256-G-GA. GRCh37 (hg19) VCF-style: chr3-46899746-G-GA.
Other names: short protein forms M193fs.
Identifiers: ClinVar variation 1004078 (VCV001004078.8), dbSNP rs757730888, ClinGen allele CA2359045.

ClinVar aggregate classification (germline): Uncertain significance. Review status: criteria provided, multiple submitters, no conflicts (2 of 4 stars). 5 submissions from 5 submitters: Uncertain significance (5). Last evaluated 2025-11-09.

Conditions:
Cardiovascular phenotype. Identifiers: MedGen CN230736.
Cardiomyopathy (CMYO). Also called: Cardiomyopathies. Identifiers: Orphanet 167848, MedGen C0878544, MONDO:0004994, HP:0001638. Inheritance: Various modes of inheritance.
Hypertrophic cardiomyopathy. Also called: HYPERTROPHIC MYOCARDIOPATHY. Identifiers: Orphanet 217569, MedGen C0007194, MeSH D002312, MONDO:0005045, HP:0001639.

Allele frequency attached by ClinVar (database versions not stated): gnomAD exomes below 0.00001 and 0.00001; ExAC 0.00002.

Submissions (5):

Labcorp Genetics (formerly Invitae), Labcorp
Classification: Uncertain significance for Hypertrophic cardiomyopathy. Last evaluated: 2025-11-09. Review status: criteria provided, single submitter. Criteria: Invitae Variant Classification Sherloc (09022015). Collection method: clinical testing. Allele origin: germline.
Comment: This sequence change is expected to alter the c-terminus of the MYL3 protein (p.Met193Hisfs*77). While this is not anticipated to result in nonsense mediated decay, it is expected to disrupt the last 3 amino acid(s) of the MYL3 protein and extend the protein by 73 additional amino acid residues. This variant is present in population databases (rs757730888, gnomAD 0.003%). This variant has not been reported in the literature in individuals affected with MYL3-related conditions. ClinVar contains an entry for this variant (Variation ID: 1004078). Experimental studies and prediction algorithms are not available or were not evaluated, and the functional significance of this variant is currently unknown. In summary, the available evidence is currently insufficient to determine the role of this variant in disease. Therefore, it has been classified as a Variant of Uncertain Significance.

Ambry Genetics
Classification: Uncertain significance for Cardiovascular phenotype. Last evaluated: 2025-02-13. Review status: criteria provided, single submitter. Criteria: Ambry Variant Classification Scheme 2023. Collection method: clinical testing. Allele origin: germline.
Comment: The c.575dupT variant, located in coding exon 6 of the MYL3 gene, results from a duplication of T at nucleotide position 575, causing a translational frameshift with a predicted alternate stop codon (p.M193Hfs*77). This alteration occurs at the 3' terminus of theMYL3 gene, is not expected to trigger nonsense-mediated mRNAdecay and results in the elongation of the protein by 74 amino acids. This frameshift impacts the last 3amino acids of the native protein. The exact functional effect of the altered amino acids is unknown. Since supporting evidence is limited at this time, the clinical significance of this alteration remains unclear.

All of Us Research Program, National Institutes of Health
Classification: Uncertain significance for Hypertrophic cardiomyopathy. Last evaluated: 2024-04-16. Review status: criteria provided, single submitter. Criteria: ACMG Guidelines, 2015. Collection method: clinical testing. Allele origin: germline. Inheritance: Autosomal dominant inheritance. Observed: 1 variant allele, 1 heterozygote.
Comment: This variant inserts 1 nucleotide in exon 6 of the MYL3 gene, creating a frameshift in the last exon and addition of 77 new amino acids before introducing a stop codon. This results in a protein product that is 74 amino acids longer than the normal protein product. To our knowledge, functional studies have not been reported for this variant nor has this variant been reported in individuals affected with MYL3-related disorders in the literature. This variant has been identified in 3/251460 chromosomes in the general population by the Genome Aggregation Database (gnomAD). The available evidence is insufficient to determine the role of this variant in disease conclusively. Therefore, this variant is classified as a Variant of Uncertain Significance.

This study involves interpretation of variants in research participants for the purpose of population health screening. Participant phenotype was not available at the time of variant classification. Additional details can be found in publication PMID: 35346344, PMCID: PMC8962531

Color Diagnostics, LLC DBA Color Health
Classification: Uncertain significance for Cardiomyopathy. Last evaluated: 2024-03-27. Review status: criteria provided, single submitter. Criteria: ACMG Guidelines, 2015. Collection method: clinical testing. Allele origin: germline.
Comment: This variant inserts 1 nucleotide in exon 6 of the MYL3 gene, creating a frameshift in the last exon and addition of 77 new amino acids before introducing a stop codon. This results in a protein product that is 74 amino acids longer than the normal protein product. To our knowledge, functional studies have not been reported for this variant nor has this variant been reported in individuals affected with MYL3-related disorders in the literature. This variant has been identified in 3/251460 chromosomes in the general population by the Genome Aggregation Database (gnomAD). The available evidence is insufficient to determine the role of this variant in disease conclusively. Therefore, this variant is classified as a Variant of Uncertain Significance.

Blueprint Genetics
Classification: Uncertain significance. Last evaluated: 2022-12-22. Review status: criteria provided, single submitter. Criteria: ACMG Guidelines, 2015. Collection method: clinical testing. Allele origin: germline.